The following is an entry in ClinVar:

NM_018979.4(WNK1):c.5601C>T (p.Asp1867=)

Gene: WNK1 (WNK lysine deficient protein kinase 1; plus strand). Cytogenetic location: 12p13.33.
Variant type: single nucleotide variant.
Coding change: c.5601C>T on transcript NM_018979.4 (MANE Select); coding-DNA position 5601, C replaced by T.
Protein change: p.Asp1867=; no amino-acid change (aspartic acid 1867 retained).
Molecular consequence: synonymous variant.
Genome position (GRCh38, 1-based): chr12:896,088, C>T. VCF-style: chr12-896088-C-T. GRCh37 (hg19) VCF-style: chr12-1005254-C-T.
Other names: c.6381C>T, p.Asp2127= (NM_001184985.2); c.4857C>T, p.Asp1619= (NM_014823.3); c.6357C>T, p.Asp2119= (NM_213655.5); c.6357C>T (NM_213655.4).
Identifiers: ClinVar variation 880532 (VCV000880532.11), dbSNP rs763160743, ClinGen allele CA6383256.

ClinVar aggregate classification (germline): Benign/Likely benign. Review status: criteria provided, multiple submitters, no conflicts (2 of 4 stars). 4 submissions from 4 submitters: Benign (1); Likely benign (2). 1 of the submissions does not count toward it. Last evaluated 2025-10-02.

Conditions:
Inborn genetic diseases. Identifiers: MedGen C0950123, MeSH D030342.
Pseudohypoaldosteronism type 2C (PHA2C). Also called: Pseudohypoaldosteronism Type IIC. Identifiers: Orphanet 757, Orphanet 88940, MedGen C1840391, MONDO:0013778, OMIM 614492.
Neuropathy, hereditary sensory and autonomic, type 2A (HSAN2A). Also called: ACROOSTEOLYSIS, GIACCAI TYPE; ACROOSTEOLYSIS, NEUROGENIC; MORVAN DISEASE; NEUROPATHY, CONGENITAL SENSORY; NEUROPATHY, HEREDITARY SENSORY RADICULAR, AUTOSOMAL RECESSIVE; NEUROPATHY, HEREDITARY SENSORY, TYPE IIA. Identifiers: Orphanet 970, MedGen C2752089, MONDO:0024309, OMIM 201300.
WNK1-related disorder. Also called: WNK1-related condition.

Allele frequency attached by ClinVar (database versions not stated): gnomAD 0.00001; gnomAD exomes 0.00001; ExAC 0.00002; TOPMed 0.00002.

Submissions (4):

Labcorp Genetics (formerly Invitae), Labcorp
Classification: Likely benign for Neuropathy, hereditary sensory and autonomic, type 2A; Pseudohypoaldosteronism type 2C. Last evaluated: 2025-10-02. Review status: criteria provided, single submitter. Criteria: Invitae Variant Classification Sherloc (09022015). Collection method: clinical testing. Allele origin: germline.

Ambry Genetics
Classification: Likely benign for Inborn genetic diseases. Last evaluated: 2024-11-22. Review status: criteria provided, single submitter. Criteria: Ambry Variant Classification Scheme 2023. Collection method: clinical testing. Allele origin: germline.

Illumina Laboratory Services, Illumina
Classification: Benign for Pseudohypoaldosteronism type 2C. Last evaluated: 2018-01-13. Review status: criteria provided, single submitter. Criteria: ICSL Variant Classification Criteria 13 December 2019. Collection method: clinical testing. Allele origin: germline.
Comment: This variant was observed in the ICSL laboratory as part of a predisposition screen in an ostensibly healthy population. It had not been previously curated by ICSL or reported in the Human Gene Mutation Database (HGMD: prior to June 1st, 2018), and was therefore a candidate for classification through an automated scoring system. Utilizing variant allele frequency, disease prevalence and penetrance estimates, and inheritance mode, an automated score was calculated to assess if this variant is too frequent to cause the disease. Based on the score and internal cut-off values, a variant classified as benign is not then subjected to further curation. The score for this variant resulted in a classification of benign for this disease.

PreventionGenetics, part of Exact Sciences
Classification: Likely benign for WNK1-related condition. Last evaluated: 2019-05-20. Review status: no assertion criteria provided. Collection method: clinical testing. Allele origin: germline. Not counted in ClinVar's aggregate classification.
Comment: This variant is classified as likely benign based on ACMG/AMP sequence variant interpretation guidelines (Richards et al. 2015 PMID: 25741868, with internal and published modifications).